The following is an entry in ClinVar:

ClinVar aggregate classification (germline): Conflicting classifications of pathogenicity. Review status: criteria provided, conflicting classifications (1 of 4 stars). 3 submissions from 3 submitters: Uncertain significance (2); Likely benign (1). Last evaluated 2024-10-20.

Conditions:
Hereditary cancer-predisposing syndrome. Also called: Neoplastic Syndromes, Hereditary; Hereditary neoplastic syndrome; Tumor predisposition; Hereditary Cancer Syndrome. Identifiers: Orphanet 140162, MedGen C0027672, MeSH D009386, MONDO:0015356.
Hereditary breast ovarian cancer syndrome. Also called: BRCA1- and BRCA2-Associated Hereditary Breast and Ovarian Cancer; Hereditary breast and ovarian cancer syndrome (HBOC); Hereditary breast and ovarian cancer syndrome; Hereditary breast and ovarian cancer; Breast and ovarian cancer; Hereditary breast and/or ovarian cancer syndrome. Identifiers: Orphanet 145, MedGen C0677776, MeSH D061325, MONDO:0003582. Disease mechanism: loss of function.

Submissions (3):

Ambry Genetics
Classification: Uncertain significance for Hereditary cancer-predisposing syndrome. Last evaluated: 2024-10-20. Review status: criteria provided, single submitter. Criteria: Ambry Variant Classification Scheme 2023. Collection method: clinical testing. Allele origin: germline.
Comment: The p.Q1925R variant (also known as c.5774A>G), located in coding exon 10 of the BRCA2 gene, results from an A to G substitution at nucleotide position 5774. The glutamine at codon 1925 is replaced by arginine, an amino acid with highly similar properties. This amino acid position is conserved. In addition, the in silico prediction for this alteration is inconclusive. Based on the available evidence, the clinical significance of this variant remains unclear.

University of Washington Department of Laboratory Medicine, University of Washington
Classification: Likely benign for Hereditary cancer-predisposing syndrome. Last evaluated: 2023-03-23. Review status: criteria provided, single submitter. Criteria: Dines et al. (Genet Med. 2020). Collection method: curation. Allele origin: germline.
Comment: Missense variant in a coldspot region where missense variants are very unlikely to be pathogenic (PMID:31911673).

BRCA2 exon 11 coldspot. Reclassification based on statistical prior probability.

Labcorp Genetics (formerly Invitae), Labcorp
Classification: Uncertain significance for Hereditary breast ovarian cancer syndrome. Last evaluated: 2021-11-12. Review status: criteria provided, single submitter. Criteria: Invitae Variant Classification Sherloc (09022015). Collection method: clinical testing. Allele origin: germline.
Comment: In summary, the available evidence is currently insufficient to determine the role of this variant in disease. Therefore, it has been classified as a Variant of Uncertain Significance. Advanced modeling of protein sequence and biophysical properties (such as structural, functional, and spatial information, amino acid conservation, physicochemical variation, residue mobility, and thermodynamic stability) performed at Invitae indicates that this missense variant is not expected to disrupt BRCA2 protein function. This variant has not been reported in the literature in individuals affected with BRCA2-related conditions. This variant is not present in population databases (gnomAD no frequency). This sequence change replaces glutamine, which is neutral and polar, with arginine, which is basic and polar, at codon 1925 of the BRCA2 protein (p.Gln1925Arg).

NM_000059.4(BRCA2):c.5774A>G (p.Gln1925Arg)

Gene: BRCA2 (BRCA2 DNA repair associated; plus strand). Cytogenetic location: 13q13.1.
Variant type: single nucleotide variant.
Coding change: c.5774A>G on transcript NM_000059.4 (MANE Select); coding-DNA position 5774, A replaced by G.
Protein change: p.Gln1925Arg; replaces glutamine 1925 with arginine.
Molecular consequence: missense variant.
Genome position (GRCh38, 1-based): chr13:32,340,129, A>G. VCF-style: chr13-32340129-A-G. GRCh37 (hg19) VCF-style: chr13-32914266-A-G.
Other names: c.5774A>G (NM_000059.3); short protein forms Q1925R.
Identifiers: ClinVar variation 1392815 (VCV001392815.8), dbSNP rs2137520813, ClinGen allele CA387787116.